The following is an entry in ClinVar:

NM_000195.5(HPS1):c.1925del (p.Gly642fs)

Gene: HPS1 (HPS1 biogenesis of lysosomal organelles complex 3 subunit 1; minus strand). Cytogenetic location: 10q24.2.
Variant type: Deletion.
Coding change: c.1925del on transcript NM_000195.5 (MANE Select); coding-DNA position 1925, one base deleted (G; older notation c.1925delG).
Protein change: p.Gly642fs; shifts the reading frame from glycine 642.
Molecular consequence: frameshift variant.
Genome position (GRCh38, 1-based): chr10:98,418,190, C deleted on the plus strand (G on the coding strand, the reverse complement: HPS1 is on the minus strand); the first of 3 consecutive C bases (chr10:98,418,190-98,418,192); deleting any one gives the same sequence. VCF-style (leftmost placement, unchanged base first): chr10-98418189-TC-T. GRCh37 (hg19) VCF-style: chr10-100177946-TC-T.
Other names: p.Gly642Glufs*83; c.1925delG (NM_000195.4, NM_000195.3); c.953del, p.Gly318fs (NM_001311345.2, NM_001322487.2, NM_001322489.2); c.1925del, p.Gly642fs (NM_001322476.2, NM_001322477.2); c.1826del, p.Gly609fs (NM_001322478.2, NM_001322479.2); c.1664del, p.Gly555fs (NM_001322480.2, NM_001322481.2); c.1565del, p.Gly522fs (NM_001322482.2); c.1556del, p.Gly519fs (NM_001322483.2, NM_001322484.2); and 1 more; short protein forms G318fs, G486fs, G519fs, G522fs, G555fs, G609fs, G642fs.
Identifiers: ClinVar variation 1068714 (VCV001068714.18), dbSNP rs2136083690, ClinGen allele CA2499220524.

ClinVar aggregate classification (germline): Pathogenic/Likely pathogenic. Review status: criteria provided, multiple submitters, no conflicts (2 of 4 stars). 5 submissions from 5 submitters: Pathogenic (1); Likely pathogenic (3). 1 of the submissions does not count toward it. Last evaluated 2026-01-15.

Conditions:
Hermansky-Pudlak syndrome 1 (HPS1). Also called: DELTA STORAGE POOL DISEASE. Identifiers: Orphanet 231500, Orphanet 79430, MedGen C2931875, MONDO:0008748, OMIM 203300.
HPS1-related disorder. Also called: HPS1-related condition.

Submissions (5):

Labcorp Genetics (formerly Invitae), Labcorp
Classification: Pathogenic. Last evaluated: 2026-01-15. Review status: criteria provided, single submitter. Criteria: Invitae Variant Classification Sherloc (09022015). Collection method: clinical testing. Allele origin: germline.
Comment: This sequence change is expected to alter the c-terminus of the HPS1 protein (p.Gly642Glufs*83). While this is not anticipated to result in nonsense mediated decay, it is expected to disrupt the last 59 amino acid(s) of the HPS1 protein and extend the protein by 23 additional amino acid residues. This variant is not present in population databases (gnomAD no frequency). This variant has not been reported in the literature in individuals affected with HPS1-related conditions. ClinVar contains an entry for this variant (Variation ID: 1068714). This variant results in an extension of the HPS1 protein. Other variant(s) that result in a similarly extended protein product (p.Tyr645Thrfs*80) have been determined to be pathogenic (PMID: 19665357, 30387913). This suggests that these extensions are likely to be disease-causing. For these reasons, this variant has been classified as Pathogenic.

GeneDx
Classification: Likely pathogenic. Last evaluated: 2025-11-06. Review status: criteria provided, single submitter. Criteria: GeneDx Variant Classification Process June 2021. Collection method: clinical testing. Allele origin: germline. Affected: yes.
Comment: Frameshift variant predicted to result in abnormal protein length as the last 59 amino acids are replaced with 82 different amino acids, and other similar variants have been reported in HGMD; Not observed at significant frequency in large population cohorts (gnomAD); Has not been previously published as pathogenic or benign to our knowledge

Mayo Clinic Laboratories, Mayo Clinic
Classification: Likely pathogenic. Last evaluated: 2024-04-03. Review status: criteria provided, single submitter. Criteria: ACMG Guidelines, 2015. Collection method: clinical testing. Allele origin: germline. Observed: 1 variant allele.
Comment: PM2_moderate, PVS1_strong

Baylor Genetics
Classification: Likely pathogenic for Hermansky-Pudlak syndrome 1. Last evaluated: 2023-10-21. Review status: criteria provided, single submitter. Criteria: ACMG Guidelines, 2015. Collection method: clinical testing. Allele origin: unknown.

PreventionGenetics, part of Exact Sciences
Classification: Likely pathogenic for HPS1-related condition. Last evaluated: 2024-09-17. Review status: no assertion criteria provided. Collection method: clinical testing. Allele origin: germline. Not counted in ClinVar's aggregate classification.
Comment: The HPS1 c.1925delG variant is predicted to result in a frameshift and premature protein termination (p.Gly642Glufs*83). XXXXXXXXXXXXXXXXXXXXXXXXXXXXXXXXXXXXXXXXXXXXX which is predicted to result in a frameshift and extension of the normal open reading frame (p.Gly642Glufs*83) (the canonical stop codon is at position p.701). To our knowledge, this variant has not been reported in the literature. However, this variant is similar in form and gene position to other reported variants (c.1887delC,p.Val630Serfs*95; c.1932delC,p.Tyr645Thrfs*80) in individuals with Oculocutaneous albinism or Hermansky‐Pudlak syndrome (Wei et al. 2011. PubMed ID: 21458243; Wei et al. 2018. PubMed ID: 30387913). This variant has not been reported in a large population database, indicating this variant is rare. This variant is interpreted as pathogenic or likely pathogenic in ClinVar. Taken together, this variant is interpreted as likely pathogenic.

Literature cited by the submitters: PubMed 19665357 (cited by Labcorp Genetics (formerly Invitae), Labcorp and Mayo Clinic Laboratories, Mayo Clinic); PubMed 30387913 (cited by Labcorp Genetics (formerly Invitae), Labcorp and Mayo Clinic Laboratories, Mayo Clinic); PubMed 32725903 (cited by Mayo Clinic Laboratories, Mayo Clinic).